The following is an entry in ClinVar:

ClinVar aggregate classification (germline): Uncertain significance (1 of 4 stars; one submission).

Allele frequency attached by ClinVar (database versions not stated): gnomAD exomes 0.00001; TOPMed 0.00001.
gnomAD v4.1: 9 of 1,614,072 alleles (0.00056%); highest among the groups gnomAD compares: South Asian, 0.0022%; no homozygotes.

Submission:

Labcorp Genetics (formerly Invitae), Labcorp
Classification: Uncertain significance. Last evaluated: 2022-05-09. Review status: criteria provided, single submitter. Criteria: Invitae Variant Classification Sherloc (09022015). Collection method: clinical testing. Allele origin: germline.
Comment: In summary, the available evidence is currently insufficient to determine the role of this variant in disease. Therefore, it has been classified as a Variant of Uncertain Significance. Algorithms developed to predict the effect of missense changes on protein structure and function (SIFT, PolyPhen-2, Align-GVGD) all suggest that this variant is likely to be disruptive. This variant has not been reported in the literature in individuals affected with DHX38-related conditions. This variant is present in population databases (no rsID available, gnomAD 0.003%). This sequence change replaces arginine, which is basic and polar, with cysteine, which is neutral and slightly polar, at codon 381 of the DHX38 protein (p.Arg381Cys).

NM_014003.4(DHX38):c.1141C>T (p.Arg381Cys)

Gene: DHX38 (DEAH-box helicase 38; plus strand). Cytogenetic location: 16q22.2.
Variant type: single nucleotide variant.
Coding change: c.1141C>T on transcript NM_014003.4 (MANE Select); coding-DNA position 1141, C replaced by T.
Protein change: p.Arg381Cys; replaces arginine 381 with cysteine.
Molecular consequence: missense variant.
Genome position (GRCh38, 1-based): chr16:72,100,460, C>T. VCF-style: chr16-72100460-C-T. GRCh37 (hg19) VCF-style: chr16-72134359-C-T.
Other names: short protein forms R381C.
Identifiers: ClinVar variation 1910176 (VCV001910176.4), dbSNP rs963298654, ClinGen allele CA283679544.
Genomic context (GRCh38, chr16:72,100,460, plus strand): 5'-GGCAATTTGAGTGTGGCTCCCATTGTGTCCTCACAGGATAACGAGCGCTGGGAGACAAAC[C>T]GCATGCTCACCAGTGGGGTGGTCCATCGGCTGGAGGTGGATGAGGACTTTGAAGAGGACA-3'
Protein context (NP_054722.2, residues 371-391): NEDNERWETN[Arg381Cys]MLTSGVVHRL